The following is an entry in ClinVar:

NM_206933.4(USH2A):c.8805C>T (p.Val2935=)

Gene: USH2A (usherin; minus strand). Cytogenetic location: 1q41.
Variant type: single nucleotide variant.
Coding change: c.8805C>T on transcript NM_206933.4 (MANE Select); coding-DNA position 8805, C replaced by T.
Protein change: p.Val2935=; no amino-acid change (valine 2935 retained).
Molecular consequence: synonymous variant.
Genome position (GRCh38, 1-based): chr1:215,867,047, G>A on the plus strand (C>T on the coding strand, the complement: USH2A is on the minus strand). VCF-style: chr1-215867047-G-A. GRCh37 (hg19) VCF-style: chr1-216040389-G-A.
Identifiers: ClinVar variation 48610 (VCV000048610.44), dbSNP rs111033534, ClinGen allele CA143642.

ClinVar aggregate classification (germline): Likely benign. Review status: criteria provided, multiple submitters, no conflicts (2 of 4 stars). 8 submissions from 7 submitters: Likely benign (8). Last evaluated 2026-01-25.

Conditions:
Retinitis pigmentosa 39 (RP39). Identifiers: Orphanet 791, MedGen C3151138, MONDO:0013436, OMIM 613809.
Usher syndrome type 2A. Also called: USHER SYNDROME, TYPE IIA; RETINAL DISEASE IN USHER SYNDROME TYPE IIA, MODIFIER OF. Identifiers: Orphanet 231178, Orphanet 886, MedGen C1848634, MONDO:0010169, OMIM 276901.

Allele frequency attached by ClinVar (database versions not stated): 1000 Genomes Project 30x 0.00031; ESP Exome Variant Server 0.00031; TOPMed 0.00032; 1000 Genomes Project 0.00040; ExAC 0.00049; gnomAD 0.00049 and 0.00053; gnomAD exomes 0.00050 and 0.00068.
gnomAD v4.1: 1,089 of 1,614,094 alleles (0.067%); highest among the groups gnomAD compares: Non-Finnish European, 0.074%; 2 homozygotes.

Submissions (8):

Labcorp Genetics (formerly Invitae), Labcorp
Classification: Likely benign. Last evaluated: 2026-01-25. Review status: criteria provided, single submitter. Criteria: Invitae Variant Classification Sherloc (09022015). Collection method: clinical testing. Allele origin: germline.

CeGaT Center for Human Genetics Tuebingen
Classification: Likely benign. Last evaluated: 2025-10-01. Review status: criteria provided, single submitter. Criteria: CeGaT Center For Human Genetics Tuebingen Variant Classification Criteria Version 2. Collection method: clinical testing. Allele origin: germline. Affected: yes. Observed: 3 variant alleles.
Comment: USH2A: BP4, BP7

Laboratory of Genetics, Children's Clinical University Hospital Latvia
Classification: Likely benign. Last evaluated: 2025-02-16. Review status: criteria provided, single submitter. Criteria: ACMG Guidelines, 2015. Collection method: clinical testing. Allele origin: germline. Affected: yes.

Blueprint Genetics
Classification: Likely benign. Last evaluated: 2024-11-23. Review status: criteria provided, single submitter. Criteria: ACMG Guidelines, 2015. Collection method: clinical testing. Allele origin: germline.

Genome-Nilou Lab
Classification: Likely benign for Retinitis pigmentosa 39. Last evaluated: 2023-11-04. Review status: criteria provided, single submitter. Criteria: ACMG Guidelines, 2015. Collection method: clinical testing. Allele origin: germline. Affected: no.

Genome-Nilou Lab
Classification: Likely benign for Usher syndrome type 2A. Last evaluated: 2023-11-04. Review status: criteria provided, single submitter. Criteria: ACMG Guidelines, 2015. Collection method: clinical testing. Allele origin: germline. Affected: no.

GeneDx
Classification: Likely benign. Last evaluated: 2020-06-29. Review status: criteria provided, single submitter. Criteria: GeneDx Variant Classification Process June 2021. Collection method: clinical testing. Allele origin: germline. Affected: yes.

Laboratory for Molecular Medicine, Mass General Brigham Personalized Medicine
Classification: Likely benign. Last evaluated: 2010-02-09. Review status: criteria provided, single submitter. Criteria: LMM Criteria. Collection method: clinical testing. Allele origin: germline. Observed: 1 variant allele.